The following is an entry in ClinVar:

NM_000520.6(HEXA):c.855_856insTC (p.Thr286fs)

Gene: HEXA (hexosaminidase subunit alpha; minus strand). Cytogenetic location: 15q23.
Variant type: Insertion.
Coding change: c.855_856insTC on transcript NM_000520.6 (MANE Select); coding-DNA positions 855 to 856, TC inserted.
Protein change: p.Thr286fs; shifts the reading frame from threonine 286.
Molecular consequence: frameshift variant. On other transcripts: non-coding transcript variant (1).
Genome position: GRCh38 VCF-style: chr15-72349209-T-TGA. GRCh37 (hg19) VCF-style: chr15-72641550-T-TGA.
Other names: c.888_889insTC, p.Thr297fs (NM_001318825.2); short protein forms T297fs, T286fs.
Identifiers: ClinVar variation 3020542 (VCV003020542.3), dbSNP rs2542522978, ClinGen allele CA2740096729.
Genomic context (GRCh38, chr15:72,349,209, plus strand): 5'-AGAAGAATGTGCTCATGAACTCATAGGTATTATTGAGACTGGGATTCACTGGTCCAAAGG[T>TGA]GCCAGAGGGCTCAGACCCAGAGTAGCAAGGAGTCAGTAATCCAGGGATACCTAAGCCAAG-3'

ClinVar aggregate classification (germline): Pathogenic (1 of 4 stars; one submission).

Conditions:
Tay-Sachs disease (TSD). Also called: HEXA DEFICIENCY; GM2 gangliosidosis, type 1; Hexosaminidase alpha-subunit deficiency (variant B); Sphingolipidosis, Tay-Sachs; Hexosaminidase A Deficiency; HEXA Disorders. Identifiers: Orphanet 845, MedGen C0039373, MONDO:0010100, OMIM 272800.

Submission:

Labcorp Genetics (formerly Invitae), Labcorp
Classification: Pathogenic for Tay-Sachs disease. Last evaluated: 2023-05-13. Review status: criteria provided, single submitter. Criteria: Invitae Variant Classification Sherloc (09022015). Collection method: clinical testing. Allele origin: germline.
Comment: For these reasons, this variant has been classified as Pathogenic. This variant has not been reported in the literature in individuals affected with HEXA-related conditions. This variant is not present in population databases (gnomAD no frequency). This sequence change creates a premature translational stop signal (p.Thr286Serfs*6) in the HEXA gene. It is expected to result in an absent or disrupted protein product. Loss-of-function variants in HEXA are known to be pathogenic (PMID: 1833974, 8490625).

Literature cited by the submitters: PubMed 1833974; PubMed 8490625.